The following is an entry in ClinVar:

NM_001134831.2(AHI1):c.2167C>G (p.Arg723Gly)

Gene: AHI1 (Abelson helper integration site 1; minus strand). Cytogenetic location: 6q23.3.
Variant type: single nucleotide variant.
Coding change: c.2167C>G on transcript NM_001134831.2 (MANE Select); coding-DNA position 2167, C replaced by G.
Protein change: p.Arg723Gly; replaces arginine 723 with glycine.
Molecular consequence: missense variant.
Genome position (GRCh38, 1-based): chr6:135,433,126, G>C on the plus strand (C>G on the coding strand, the complement: AHI1 is on the minus strand). VCF-style: chr6-135433126-G-C. GRCh37 (hg19) VCF-style: chr6-135754264-G-C.
Other names: c.2167C>G, p.Arg723Gly (NM_001134830.2, NM_001134832.2, NM_001350503.2 and 2 more transcripts); short protein forms R723G.
Identifiers: ClinVar variation 2739522 (VCV002739522.3), dbSNP rs761245375, ClinGen allele CA365743567.

ClinVar aggregate classification (germline): Likely pathogenic (1 of 4 stars; one submission).

Conditions:
Joubert syndrome. Also called: CEREBELLOPARENCHYMAL DISORDER IV; JOUBERT-BOLTSHAUSER SYNDROME; Familial aplasia of the vermis. Identifiers: Orphanet 475, MedGen C5979921, MONDO:0018772.

Submission:

Labcorp Genetics (formerly Invitae), Labcorp
Classification: Likely pathogenic for Joubert syndrome. Last evaluated: 2023-07-09. Review status: criteria provided, single submitter. Criteria: Invitae Variant Classification Sherloc (09022015). Collection method: clinical testing. Allele origin: germline.
Comment: In summary, the currently available evidence indicates that the variant is pathogenic, but additional data are needed to prove that conclusively. Therefore, this variant has been classified as Likely Pathogenic. This variant disrupts the p.Arg723 amino acid residue in AHI1. Other variant(s) that disrupt this residue have been determined to be pathogenic (PMID: 16453322, 26092869; Invitae). This suggests that this residue is clinically significant, and that variants that disrupt this residue are likely to be disease-causing. Algorithms developed to predict the effect of sequence changes on RNA splicing suggest that this variant may disrupt the consensus splice site. Advanced modeling of protein sequence and biophysical properties (such as structural, functional, and spatial information, amino acid conservation, physicochemical variation, residue mobility, and thermodynamic stability) performed at Invitae indicates that this missense variant is expected to disrupt AHI1 protein function. This variant has not been reported in the literature in individuals affected with AHI1-related conditions. This variant is not present in population databases (gnomAD no frequency). This sequence change replaces arginine, which is basic and polar, with glycine, which is neutral and non-polar, at codon 723 of the AHI1 protein (p.Arg723Gly).

Literature cited by the submitters: PubMed 16453322; PubMed 26092869.